The following is an entry in ClinVar:

NM_014249.4(NR2E3):c.469C>G (p.Pro157Ala)

Gene: NR2E3 (nuclear receptor subfamily 2 group E member 3; plus strand). Cytogenetic location: 15q23.
Variant type: single nucleotide variant.
Coding change: c.469C>G on transcript NM_014249.4 (MANE Select); coding-DNA position 469, C replaced by G.
Protein change: p.Pro157Ala; replaces proline 157 with alanine.
Molecular consequence: missense variant.
Genome position (GRCh38, 1-based): chr15:71,812,074, C>G. VCF-style: chr15-71812074-C-G. GRCh37 (hg19) VCF-style: chr15-72104414-C-G.
Other names: c.469C>G, p.Pro157Ala (NM_016346.4); short protein forms P157A.
Identifiers: ClinVar variation 956009 (VCV000956009.8), dbSNP rs2054188239, ClinGen allele CA393034588.

ClinVar aggregate classification (germline): Uncertain significance. Review status: criteria provided, single submitter (1 of 4 stars). 2 submissions from 2 submitters: Uncertain significance (1). 1 of the submissions does not count toward it. Last evaluated 2024-02-24.

Conditions:
Enhanced S-cone syndrome (ESCS). Identifiers: Orphanet 53540, MedGen C1849394, MONDO:0100288, MONDO:0009989.

Allele frequency attached by ClinVar (database versions not stated): TOPMed below 0.00001.

Submissions (2):

Labcorp Genetics (formerly Invitae), Labcorp
Classification: Uncertain significance. Last evaluated: 2024-02-24. Review status: criteria provided, single submitter. Criteria: Invitae Variant Classification Sherloc (09022015). Collection method: clinical testing. Allele origin: germline.
Comment: This sequence change replaces proline, which is neutral and non-polar, with alanine, which is neutral and non-polar, at codon 157 of the NR2E3 protein (p.Pro157Ala). This variant is not present in population databases (gnomAD no frequency). This variant has not been reported in the literature in individuals affected with NR2E3-related conditions. ClinVar contains an entry for this variant (Variation ID: 956009). Advanced modeling of protein sequence and biophysical properties (such as structural, functional, and spatial information, amino acid conservation, physicochemical variation, residue mobility, and thermodynamic stability) performed at Invitae indicates that this missense variant is not expected to disrupt NR2E3 protein function with a negative predictive value of 95%. In summary, the available evidence is currently insufficient to determine the role of this variant in disease. Therefore, it has been classified as a Variant of Uncertain Significance.

Natera, Inc.
Classification: Uncertain significance for Enhanced S cone syndrome. Last evaluated: 2021-09-28. Review status: no assertion criteria provided. Collection method: clinical testing. Allele origin: germline. Not counted in ClinVar's aggregate classification.